The following is an entry in ClinVar:

ClinVar aggregate classification (germline): Uncertain significance (1 of 4 stars; one submission).

Conditions:
Severe early-childhood-onset retinal dystrophy (STGD1). Also called: MACULAR DYSTROPHY WITH FLECKS, TYPE 1; STGD; Stargardt macular dystrophy; Juvenile onset macular degeneration; Stargardt disease 1. Identifiers: Orphanet 364055, Orphanet 827, MedGen C1855465, MeSH D000080362, MONDO:0009549, OMIM 248200.

Submission:

DBGen Ocular Genomics
Classification: Uncertain significance for Severe early-childhood-onset retinal dystrophy. Last evaluated: 2023-01-01. Review status: criteria provided, single submitter. Criteria: ACMG Guidelines, 2015. Collection method: clinical testing. Allele origin: unknown. Inheritance: Autosomal recessive inheritance. Affected: yes.
Comment: Class 3 ACMG Guidelines, 2015. The algorithm predictions indicate that it activates a cryptic splicing-donating signal.

NM_000350.3(ABCA4):c.570+1818G>T

Gene: ABCA4 (ATP binding cassette subfamily A member 4; minus strand). Cytogenetic location: 1p22.1.
Variant type: single nucleotide variant.
Coding change: c.570+1818G>T on transcript NM_000350.3 (MANE Select); 1818 bases into the intron after coding-DNA position 570, G replaced by T.
Molecular consequence: intron variant.
Genome position (GRCh38, 1-based): chr1:94,101,197, C>A on the plus strand (G>T on the coding strand, the complement: ABCA4 is on the minus strand). VCF-style: chr1-94101197-C-A. GRCh37 (hg19) VCF-style: chr1-94566753-C-A.
Identifiers: ClinVar variation 2628055 (VCV002628055.2), dbSNP rs2523973629, ClinGen allele CA2695198056.